The following is an entry in ClinVar:

ClinVar aggregate classification (germline): Uncertain significance. Review status: criteria provided, multiple submitters, no conflicts (2 of 4 stars). 2 submissions from 2 submitters: Uncertain significance (2). Last evaluated 2022-04-27.

Conditions:
Duchenne muscular dystrophy (DMD). Also called: Duchenne Muscular Dystrophy (DMD); MUSCULAR DYSTROPHY, PSEUDOHYPERTROPHIC PROGRESSIVE, DUCHENNE TYPE. Identifiers: Orphanet 98896, MedGen C0013264, MONDO:0010679, OMIM 310200.

Allele frequency attached by ClinVar (database versions not stated): TOPMed 0.00003; ExAC 0.00002.
gnomAD v4.1: 6 of 1,204,918 alleles (0.0005%); highest among the groups gnomAD compares: African/African-American, 0.0053%; no homozygotes.

Submissions (2):

Labcorp Genetics (formerly Invitae), Labcorp
Classification: Uncertain significance for Duchenne muscular dystrophy. Last evaluated: 2022-04-27. Review status: criteria provided, single submitter. Criteria: Invitae Variant Classification Sherloc (09022015). Collection method: clinical testing. Allele origin: germline.
Comment: This sequence change replaces serine, which is neutral and polar, with leucine, which is neutral and non-polar, at codon 1125 of the DMD protein (p.Ser1125Leu). The frequency data for this variant in the population databases is considered unreliable, as metrics indicate poor data quality at this position in the gnomAD database. This variant has not been reported in the literature in individuals affected with DMD-related conditions. ClinVar contains an entry for this variant (Variation ID: 94586). Algorithms developed to predict the effect of missense changes on protein structure and function output the following: SIFT: "Tolerated"; PolyPhen-2: "Benign"; Align-GVGD: "Class C15". The leucine amino acid residue is found in multiple mammalian species, which suggests that this missense change does not adversely affect protein function. Algorithms developed to predict the effect of sequence changes on RNA splicing suggest that this variant may disrupt the consensus splice site. In summary, the available evidence is currently insufficient to determine the role of this variant in disease. Therefore, it has been classified as a Variant of Uncertain Significance.

Eurofins Ntd Llc (ga)
Classification: Uncertain significance. Last evaluated: 2013-09-13. Review status: criteria provided, single submitter. Criteria: EGL Classification Definitions 2015. Collection method: clinical testing. Allele origin: germline. Observed: 3 variant alleles, 1 heterozygote, 2 hemizygotes.

NM_004006.3(DMD):c.3374C>T (p.Ser1125Leu)

Gene: DMD (dystrophin; minus strand). Cytogenetic location: Xp21.1.
Variant type: single nucleotide variant.
Coding change: c.3374C>T on transcript NM_004006.3 (MANE Select); coding-DNA position 3374, C replaced by T.
Protein change: p.Ser1125Leu; replaces serine 1125 with leucine.
Molecular consequence: missense variant.
Genome position (GRCh38, 1-based): chrX:32,463,497, G>A on the plus strand (C>T on the coding strand, the complement: DMD is on the minus strand). VCF-style: chrX-32463497-G-A. GRCh37 (hg19) VCF-style: chrX-32481614-G-A.
Other names: c.3350C>T, p.Ser1117Leu (NM_000109.4); c.3362C>T, p.Ser1121Leu (NM_004009.3); c.3005C>T, p.Ser1002Leu (NM_004010.3); short protein forms S1121L, S1002L, S1117L.
Identifiers: ClinVar variation 94586 (VCV000094586.10), dbSNP rs374744331, ClinGen allele CA222377.